The following is an entry in ClinVar:

NM_001365536.1(SCN9A):c.5212T>G (p.Phe1738Val)

Genes: SCN1A-AS1 (SCN1A and SCN9A antisense RNA 1; plus strand), SCN9A (sodium voltage-gated channel alpha subunit 9; minus strand). Cytogenetic location: 2q24.3.
Variant type: single nucleotide variant.
Coding change: c.5212T>G on transcript NM_001365536.1 (MANE Select); coding-DNA position 5212, T replaced by G.
Protein change: p.Phe1738Val; replaces phenylalanine 1738 with valine.
Molecular consequence: missense variant.
Genome position (GRCh38, 1-based): chr2:166,199,427, A>C on the plus strand (T>G on the coding strand, the complement: SCN9A is on the minus strand). VCF-style: chr2-166199427-A-C. GRCh37 (hg19) VCF-style: chr2-167055937-A-C.
Other names: c.5179T>G, p.Phe1727Val (NM_002977.4); short protein forms F1727V, F1738V.
Identifiers: ClinVar variation 538462 (VCV000538462.31), dbSNP rs763972874, ClinGen allele CA1943711.

ClinVar aggregate classification (germline): Uncertain significance. Review status: criteria provided, multiple submitters, no conflicts (2 of 4 stars). 3 submissions from 3 submitters: Uncertain significance (3). Last evaluated 2025-01-13.

Conditions:
Inborn genetic diseases. Identifiers: MedGen C0950123, MeSH D030342.
Neuropathy, hereditary sensory and autonomic, type 2A (HSAN2A). Also called: MORVAN DISEASE; NEUROPATHY, CONGENITAL SENSORY; NEUROPATHY, HEREDITARY SENSORY RADICULAR, AUTOSOMAL RECESSIVE; NEUROPATHY, HEREDITARY SENSORY, TYPE IIA; NEUROPATHY, PROGRESSIVE SENSORY, OF CHILDREN; WNK1-Related HSAN2 (HSAN2A). Identifiers: Orphanet 970, MedGen C2752089, MONDO:0024309, OMIM 201300.
Generalized epilepsy with febrile seizures plus, type 7 (GEFSP7). Also called: GEFS+, TYPE 7. Identifiers: Orphanet 36387, MedGen C2751778, MONDO:0013470, OMIM 613863.

Allele frequency attached by ClinVar (database versions not stated): TOPMed below 0.00001; ExAC 0.00001.

Submissions (3):

Labcorp Genetics (formerly Invitae), Labcorp
Classification: Uncertain significance for Neuropathy, hereditary sensory and autonomic, type 2A; Generalized epilepsy with febrile seizures plus, type 7. Last evaluated: 2025-01-13. Review status: criteria provided, single submitter. Criteria: Invitae Variant Classification Sherloc (09022015). Collection method: clinical testing. Allele origin: germline.
Comment: This sequence change replaces phenylalanine, which is neutral and non-polar, with valine, which is neutral and non-polar, at codon 1727 of the SCN9A protein (p.Phe1727Val). This variant is present in population databases (rs763972874, gnomAD 0.0009%). This variant has not been reported in the literature in individuals affected with SCN9A-related conditions. ClinVar contains an entry for this variant (Variation ID: 538462). Invitae Evidence Modeling of protein sequence and biophysical properties (such as structural, functional, and spatial information, amino acid conservation, physicochemical variation, residue mobility, and thermodynamic stability) indicates that this missense variant is not expected to disrupt SCN9A protein function with a negative predictive value of 95%. In summary, the available evidence is currently insufficient to determine the role of this variant in disease. Therefore, it has been classified as a Variant of Uncertain Significance.

CeGaT Center for Human Genetics Tuebingen
Classification: Uncertain significance. Last evaluated: 2024-04-01. Review status: criteria provided, single submitter. Criteria: CeGaT Center For Human Genetics Tuebingen Variant Classification Criteria Version 2. Collection method: clinical testing. Allele origin: germline. Affected: yes. Observed: 1 variant allele.
Comment: SCN9A: PM2, PP3

Ambry Genetics
Classification: Uncertain significance for Inborn genetic diseases. Last evaluated: 2019-11-21. Review status: criteria provided, single submitter. Criteria: Ambry Variant Classification Scheme 2023. Collection method: clinical testing. Allele origin: germline.
Comment: The p.F1727V variant (also known as c.5179T>G), located in coding exon 26 of the SCN9A gene, results from a T to G substitution at nucleotide position 5179. The phenylalanine at codon 1727 is replaced by valine, an amino acid with highly similar properties. This amino acid position is well conserved in available vertebrate species. In addition, this alteration is predicted to be deleterious by in silico analysis. Since supporting evidence is limited at this time, the clinical significance of this alteration remains unclear.